The following is an entry in ClinVar:

ClinVar aggregate classification (germline): Pathogenic. Review status: criteria provided, multiple submitters, no conflicts (2 of 4 stars). 2 submissions from 2 submitters: Pathogenic (2). Last evaluated 2025-07-21.

Conditions:
Inherited MMR deficiency (Lynch syndrome).
Hereditary cancer-predisposing syndrome. Also called: Neoplastic Syndromes, Hereditary; Tumor predisposition; Hereditary neoplastic syndrome; Hereditary Cancer Syndrome. Identifiers: Orphanet 140162, MedGen C0027672, MeSH D009386, MONDO:0015356.

Submissions (2):

Genetics Laboratory, Great Ormond Street Hospital NHS Foundation Trust, North Thames Genomic Laboratory Hub
Classification: Pathogenic for Inherited MMR deficiency (Lynch syndrome). Last evaluated: 2025-07-21. Review status: criteria provided, single submitter. Criteria: CanVIG MMR Gene Specific V1.7. Collection method: clinical testing. Allele origin: germline. Affected: yes.
Comment: PM2_moderate, PVS1_very-strong, PP4_supporting

Ambry Genetics
Classification: Pathogenic for Hereditary cancer-predisposing syndrome. Last evaluated: 2023-11-28. Review status: criteria provided, single submitter. Criteria: Ambry Variant Classification Scheme 2023. Collection method: clinical testing. Allele origin: germline.
Comment: The c.676_677delAA pathogenic mutation, located in coding exon 6 of the PMS2 gene, results from a deletion of two nucleotides at nucleotide positions 676 to 677, causing a translational frameshift with a predicted alternate stop codon (p.N226Yfs*22). This variant is considered to be rare based on population cohorts in the Genome Aggregation Database (gnomAD). This alteration is expected to result in loss of function by premature protein truncation or nonsense-mediated mRNA decay. As such, this alteration is interpreted as a disease-causing mutation.

NM_000535.7(PMS2):c.676_677del (p.Asn226fs)

Gene: PMS2 (PMS1 homolog 2, mismatch repair system component; minus strand). Cytogenetic location: 7p22.1.
Variant type: Deletion.
Coding change: c.676_677del on transcript NM_000535.7 (MANE Select); coding-DNA positions 676 to 677, 2 bases deleted (AA; older notation c.676_677delAA).
Protein change: p.Asn226fs; shifts the reading frame from asparagine 226.
Molecular consequence: frameshift variant. On other transcripts: 5 prime UTR variant (2), non-coding transcript variant (1), intron variant (9).
Genome position (GRCh38, 1-based): chr7:5,999,136-5,999,137, TT deleted on the plus strand (AA on the coding strand, the reverse complement: PMS2 is on the minus strand); deleting any 2 consecutive bases within chr7:5,999,136-5,999,139 gives the same sequence; the c. name uses the placement nearest the transcript's 3' end. VCF-style (leftmost placement, unchanged base first): chr7-5999135-ATT-A. GRCh37 (hg19) VCF-style: chr7-6038766-ATT-A.
Other names: c.269_270delAA, p.Asn91Tyrfs (NM_001018040.1); c.271_272del, p.Asn91fs (NM_001322003.2, NM_001322004.2, NM_001322005.2 and 19 more transcripts); c.676_677del, p.Asn226fs (NM_001322006.2, NM_001322014.2, NM_001406870.1 and 4 more transcripts); c.358_359del, p.Asn120fs (NM_001322007.2, NM_001322008.2, NM_001406876.1 and 4 more transcripts); c.-258_-257del (NM_001322011.2, NM_001322012.2); c.367_368del, p.Asn123fs (NM_001322015.2, NM_001406875.1, NM_001406877.1 and 6 more transcripts); c.862_863del, p.Asn288fs (NM_001406866.1); c.700_701del, p.Asn234fs (NM_001406868.1); and 8 more; short protein forms N114fs, N120fs, N123fs, N226fs, N234fs, N288fs, N91fs.
Identifiers: ClinVar variation 3232033 (VCV003232033.2), dbSNP rs2536306786, ClinGen allele CA2825001538.